The following is an entry in ClinVar:

NM_007055.4(POLR3A):c.2286C>T (p.His762=)

Gene: POLR3A (RNA polymerase III subunit A; minus strand). Cytogenetic location: 10q22.3.
Variant type: single nucleotide variant.
Coding change: c.2286C>T on transcript NM_007055.4 (MANE Select); coding-DNA position 2286, C replaced by T.
Protein change: p.His762=; no amino-acid change (histidine 762 retained).
Molecular consequence: synonymous variant.
Genome position (GRCh38, 1-based): chr10:78,002,270, G>A on the plus strand (C>T on the coding strand, the complement: POLR3A is on the minus strand). VCF-style: chr10-78002270-G-A. GRCh37 (hg19) VCF-style: chr10-79762028-G-A.
Other names: p.His762=.
Identifiers: ClinVar variation 301059 (VCV000301059.19), dbSNP rs16935534, ClinGen allele CA5571165.

ClinVar aggregate classification (germline): Benign. Review status: criteria provided, multiple submitters, no conflicts (2 of 4 stars). 7 submissions from 7 submitters: Benign (7). Last evaluated 2026-02-04.

Conditions:
Leukodystrophy, hypomyelinating, 7, with or without oligodontia and/or hypogonadotropic hypogonadism (HLD7). Also called: LEUKODYSTROPHY, HYPOMYELINATING, 7, WITH OLIGODONTIA; LEUKODYSTROPHY, HYPOMYELINATING, 7, WITH OLIGODONTIA AND HYPOGONADOTROPIC HYPOGONADISM; LEUKODYSTROPHY, HYPOMYELINATING, 7, WITHOUT OLIGODONTIA OR HYPOGONADOTROPIC HYPOGONADISM; LEUKOENCEPHALOPATHY, HYPOMYELINATING, WITH ATAXIA AND DELAYED DENTITION; ATAXIA, DELAYED DENTITION, AND HYPOMYELINATION; Ataxia, Delayed Dentition and Hypomyelination (ADDH). Identifiers: Orphanet 137639, Orphanet 447893, Orphanet 447896, Orphanet 77295, Orphanet 88637, MedGen CN034185, MONDO:0011897, OMIM 607694.

Allele frequency attached by ClinVar (database versions not stated): ESP Exome Variant Server 0.02553; gnomAD 0.03554 and 0.04228; gnomAD exomes 0.03781 and 0.06048; TOPMed 0.04342; ExAC 0.08287; 1000 Genomes Project 30x 0.10353; 1000 Genomes Project 0.10803.

Submissions (7):

Labcorp Genetics (formerly Invitae), Labcorp
Classification: Benign. Last evaluated: 2026-02-04. Review status: criteria provided, single submitter. Criteria: Invitae Variant Classification Sherloc (09022015). Collection method: clinical testing. Allele origin: germline.

Blueprint Genetics
Classification: Benign. Last evaluated: 2024-11-27. Review status: criteria provided, single submitter. Criteria: ACMG Guidelines, 2015. Collection method: clinical testing. Allele origin: germline.

Unidad de Genómica Garrahan, Hospital de Pediatría Garrahan
Classification: Benign. Last evaluated: 2024-01-24. Review status: criteria provided, single submitter. Criteria: ACMG Guidelines, 2015. Collection method: clinical testing. Allele origin: germline. Affected: no. Observed: 19 variant alleles.
Comment: This variant is classified as Benign based on local population frequency. This variant was detected in 20% of patients studied by a panel of primary immunodeficiencies. Number of patients: 19. Only high quality variants are reported.

Mayo Clinic Laboratories, Mayo Clinic
Classification: Benign. Last evaluated: 2022-03-23. Review status: criteria provided, single submitter. Criteria: ACMG Guidelines, 2015. Collection method: clinical testing. Allele origin: germline. Observed: 33 variant alleles.

GeneDx
Classification: Benign. Last evaluated: 2021-05-05. Review status: criteria provided, single submitter. Criteria: GeneDx Variant Classification Process June 2021. Collection method: clinical testing. Allele origin: germline. Affected: yes.

Illumina Laboratory Services, Illumina
Classification: Benign for Leukodystrophy, hypomyelinating, 7, with or without oligodontia and/or hypogonadotropic hypogonadism. Last evaluated: 2018-01-13. Review status: criteria provided, single submitter. Criteria: ICSL Variant Classification Criteria 13 December 2019. Collection method: clinical testing. Allele origin: germline.
Comment: This variant was observed in the ICSL laboratory as part of a predisposition screen in an ostensibly healthy population. It had not been previously curated by ICSL or reported in the Human Gene Mutation Database (HGMD: prior to June 1st, 2018), and was therefore a candidate for classification through an automated scoring system. Utilizing variant allele frequency, disease prevalence and penetrance estimates, and inheritance mode, an automated score was calculated to assess if this variant is too frequent to cause the disease. Based on the score and internal cut-off values, a variant classified as benign is not then subjected to further curation. The score for this variant resulted in a classification of benign for this disease.

Breakthrough Genomics
Classification: Benign. Review status: criteria provided, single submitter. Criteria: ACMG Guidelines, 2015. Collection method: not provided. Allele origin: germline. Inheritance: Autosomal recessive inheritance. Affected: yes.